The following is an entry in ClinVar:

ClinVar aggregate classification (germline): Uncertain significance (1 of 4 stars; one submission).

Conditions:
Inborn genetic diseases. Identifiers: MedGen C0950123, MeSH D030342.

gnomAD v4.1: 4 of 1,497,528 alleles (0.00027%); highest among the groups gnomAD compares: Non-Finnish European, 0.00036%; no homozygotes.

Submission:

Ambry Genetics
Classification: Uncertain significance for Inborn genetic diseases. Last evaluated: 2018-05-21. Review status: criteria provided, single submitter. Criteria: Ambry Variant Classification Scheme 2023. Collection method: clinical testing. Allele origin: germline.
Comment: The p.A41G variant (also known as c.122C>G), located in coding exon 1 of the KCTD7 gene, results from a C to G substitution at nucleotide position 122. The alanine at codon 41 is replaced by glycine, an amino acid with similar properties. This amino acid position is well conserved in available vertebrate species. In addition, this alteration is predicted to be tolerated by in silico analysis. Since supporting evidence is limited at this time, the clinical significance of this alteration remains unclear.

NM_153033.5(KCTD7):c.122C>G (p.Ala41Gly)

Genes: KCTD7 (potassium channel tetramerization domain containing 7; plus strand), LOC129998533 (ATAC-STARR-seq lymphoblastoid silent region 18210; plus strand). Cytogenetic location: 7q11.21.
Variant type: single nucleotide variant.
Coding change: c.122C>G on transcript NM_153033.5 (MANE Select); coding-DNA position 122, C replaced by G.
Protein change: p.Ala41Gly; replaces alanine 41 with glycine.
Molecular consequence: missense variant.
Genome position (GRCh38, 1-based): chr7:66,629,186, C>G. VCF-style: chr7-66629186-C-G. GRCh37 (hg19) VCF-style: chr7-66094173-C-G.
Other names: c.122C>G, p.Ala41Gly (NM_001167961.2); short protein forms A41G.
Identifiers: ClinVar variation 1755144 (VCV001755144.2), dbSNP rs1457699980, ClinGen allele CA367695377.